The following is an entry in ClinVar:

ClinVar aggregate classification (germline): Conflicting classifications of pathogenicity. Review status: criteria provided, conflicting classifications (1 of 4 stars). 4 submissions from 4 submitters: Uncertain significance (2); Likely benign (1). 1 of the submissions does not count toward it. Last evaluated 2025-12-03.

Conditions:
B3GLCT-related disorder. Also called: B3GLCT-related condition.
Peters plus syndrome. Also called: KRAUSE-KIVLIN SYNDROME. Identifiers: Orphanet 709, MedGen C0796012, MONDO:0009856, OMIM 261540.

Allele frequency attached by ClinVar (database versions not stated): 1000 Genomes Project 30x 0.00016; gnomAD exomes 0.00016 and 0.00036; gnomAD 0.00018 and 0.00019; 1000 Genomes Project 0.00020; TOPMed 0.00020; ExAC 0.00030; ESP Exome Variant Server 0.00031.
gnomAD v4.1: 285 of 1,614,032 alleles (0.018%); highest among the groups gnomAD compares: Middle Eastern, 0.049%; 2 homozygotes.

Submissions (4):

Labcorp Genetics (formerly Invitae), Labcorp
Classification: Likely benign for Peters plus syndrome. Last evaluated: 2025-12-03. Review status: criteria provided, single submitter. Criteria: Invitae Variant Classification Sherloc (09022015). Collection method: clinical testing. Allele origin: germline.

Illumina Laboratory Services, Illumina
Classification: Uncertain significance for Peters plus syndrome. Last evaluated: 2018-01-13. Review status: criteria provided, single submitter. Criteria: ICSL Variant Classification Criteria 13 December 2019. Collection method: clinical testing. Allele origin: germline.

Eurofins Ntd Llc (ga)
Classification: Uncertain significance. Last evaluated: 2015-10-20. Review status: criteria provided, single submitter. Criteria: EGL Classification Definitions 2015. Collection method: clinical testing. Allele origin: germline. Observed: 1 variant allele, 1 heterozygote.

PreventionGenetics, part of Exact Sciences
Classification: Likely benign for B3GLCT-related condition. Last evaluated: 2019-03-20. Review status: no assertion criteria provided. Collection method: clinical testing. Allele origin: germline. Not counted in ClinVar's aggregate classification.
Comment: This variant is classified as likely benign based on ACMG/AMP sequence variant interpretation guidelines (Richards et al. 2015 PMID: 25741868, with internal and published modifications).

NM_194318.4(B3GLCT):c.1104C>T (p.Ser368=)

Gene: B3GLCT (beta 3-glucosyltransferase; plus strand). Cytogenetic location: 13q12.3.
Variant type: single nucleotide variant.
Coding change: c.1104C>T on transcript NM_194318.4 (MANE Select); coding-DNA position 1104, C replaced by T.
Protein change: p.Ser368=; no amino-acid change (serine 368 retained).
Molecular consequence: synonymous variant.
Genome position (GRCh38, 1-based): chr13:31,317,605, C>T. VCF-style: chr13-31317605-C-T. GRCh37 (hg19) VCF-style: chr13-31891742-C-T.
Identifiers: ClinVar variation 283910 (VCV000283910.22), dbSNP rs114425388, ClinGen allele CA6936818.